The following is an entry in ClinVar:

NM_018685.5(ANLN):c.2653-13G>A

Gene: ANLN (anillin, actin binding protein; plus strand). Cytogenetic location: 7p14.2.
Variant type: single nucleotide variant.
Coding change: c.2653-13G>A on transcript NM_018685.5 (MANE Select); 13 bases into the intron before coding-DNA position 2653, G replaced by A.
Molecular consequence: intron variant.
Genome position (GRCh38, 1-based): chr7:36,424,673, G>A. VCF-style: chr7-36424673-G-A. GRCh37 (hg19) VCF-style: chr7-36464282-G-A.
Other names: c.2542-13G>A (NM_001284301.3); c.2539-13G>A (NM_001284302.3).
Identifiers: ClinVar variation 4708352 (VCV004708352.2).
Genomic context (GRCh38, chr7:36,424,673, plus strand): 5'-TAAAATAATGAAGAGTATATTTTTCTTAACAATATCAGATTATAAATTAATTATGCTTTG[G>A]GTTTGTGCGTAGGTGCAAAAGAAAGATCCCTCAGGCCTTGATAAGAAGAAAAAAACATCC-3'

ClinVar aggregate classification (germline): Uncertain significance. Review status: criteria provided, multiple submitters, no conflicts (2 of 4 stars). 2 submissions from 2 submitters: Uncertain significance (2). Last evaluated 2025-09-29.

gnomAD v4.1: 14 of 1,609,592 alleles (0.00087%); highest among the groups gnomAD compares: South Asian, 0.016%; no homozygotes.

Submissions (2):

Labcorp Genetics (formerly Invitae), Labcorp
Classification: Uncertain significance. Last evaluated: 2025-09-29. Review status: criteria provided, single submitter. Criteria: Invitae Variant Classification Sherloc (09022015). Collection method: clinical testing. Allele origin: germline.
Comment: This sequence change falls in intron 16 of the ANLN gene. It does not directly change the encoded amino acid sequence of the ANLN protein. This variant is present in population databases (rs780268023, gnomAD 0.02%). This variant has not been reported in the literature in individuals affected with ANLN-related conditions. Algorithms developed to predict the effect of sequence changes on RNA splicing suggest that this variant may create or strengthen a splice site. In summary, the available evidence is currently insufficient to determine the role of this variant in disease. Therefore, it has been classified as a Variant of Uncertain Significance.

Blueprint Genetics
Classification: Uncertain significance. Last evaluated: 2024-03-20. Review status: criteria provided, single submitter. Criteria: ACMG Guidelines, 2015. Collection method: clinical testing. Allele origin: germline.